The following is an entry in ClinVar:

ClinVar aggregate classification (germline): Uncertain significance. Review status: criteria provided, multiple submitters, no conflicts (2 of 4 stars). 3 submissions from 3 submitters: Uncertain significance (2). 1 of the submissions does not count toward it. Last evaluated 2025-03-17.

Conditions:
CENPE-related disorder. Also called: CENPE-related condition.

Allele frequency attached by ClinVar (database versions not stated): ExAC 0.00003; gnomAD exomes 0.00004 and 0.00003; gnomAD 0.00004.
gnomAD v4.1: 34 of 1,612,038 alleles (0.0021%); highest among the groups gnomAD compares: Admixed American, 0.01%; no homozygotes.

Submissions (3):

Ambry Genetics
Classification: Uncertain significance. Last evaluated: 2025-03-17. Review status: criteria provided, single submitter. Criteria: Ambry Variant Classification Scheme 2023. Collection method: clinical testing. Allele origin: germline.

Genetic Services Laboratory, University of Chicago
Classification: Uncertain significance. Last evaluated: 2017-10-20. Review status: criteria provided, single submitter. Criteria: ACMG Guidelines, 2015. Collection method: clinical testing. Allele origin: germline. Affected: no.

PreventionGenetics, part of Exact Sciences
Classification: Uncertain significance for CENPE-related condition. Last evaluated: 2024-06-14. Review status: no assertion criteria provided. Collection method: clinical testing. Allele origin: germline. Not counted in ClinVar's aggregate classification.
Comment: The CENPE c.7202A>G variant is predicted to result in the amino acid substitution p.Glu2401Gly. To our knowledge, this variant has not been reported in the literature. This variant is reported in 0.0086% of alleles in individuals of Latino descent in gnomAD. At this time, the clinical significance of this variant is uncertain due to the absence of conclusive functional and genetic evidence.

NM_001813.3(CENPE):c.7202A>G (p.Glu2401Gly)

Gene: CENPE (centromere protein E; minus strand). Cytogenetic location: 4q24.
Variant type: single nucleotide variant.
Coding change: c.7202A>G on transcript NM_001813.3 (MANE Select); coding-DNA position 7202, A replaced by G.
Protein change: p.Glu2401Gly; replaces glutamic acid 2401 with glycine.
Molecular consequence: missense variant.
Genome position (GRCh38, 1-based): chr4:103,120,275, T>C on the plus strand (A>G on the coding strand, the complement: CENPE is on the minus strand). VCF-style: chr4-103120275-T-C. GRCh37 (hg19) VCF-style: chr4-104041432-T-C.
Other names: c.6839A>G, p.Glu2280Gly (NM_001286734.2); short protein forms E2280G, E2401G.
Identifiers: ClinVar variation 1336089 (VCV001336089.6), dbSNP rs762068581, ClinGen allele CA3029201.